The following is an entry in ClinVar:

NM_003086.4(SNAPC4):c.351A>G (p.Glu117=)

Gene: SNAPC4 (small nuclear RNA activating complex polypeptide 4; minus strand). Cytogenetic location: 9q34.3.
Variant type: single nucleotide variant.
Coding change: c.351A>G on transcript NM_003086.4 (MANE Select); coding-DNA position 351, A replaced by G.
Protein change: p.Glu117=; no amino-acid change (glutamic acid 117 retained).
Molecular consequence: synonymous variant.
Genome position (GRCh38, 1-based): chr9:136,395,418, T>C on the plus strand (A>G on the coding strand, the complement: SNAPC4 is on the minus strand). VCF-style: chr9-136395418-T-C. GRCh37 (hg19) VCF-style: chr9-139289870-T-C.
Other names: c.351A>G, p.Glu117= (NM_001394201.1, NM_001394202.1, NM_001394203.1).
Identifiers: ClinVar variation 3898647 (VCV003898647.7).

ClinVar aggregate classification (germline): Likely benign (1 of 4 stars; one submission).

gnomAD v4.1: 4 of 1,612,546 alleles (0.00025%); highest among the groups gnomAD compares: Non-Finnish European, 0.00034%; no homozygotes.

Submission:

CeGaT Center for Human Genetics Tuebingen
Classification: Likely benign. Last evaluated: 2025-04-01. Review status: criteria provided, single submitter. Criteria: CeGaT Center For Human Genetics Tuebingen Variant Classification Criteria Version 2. Collection method: clinical testing. Allele origin: germline. Affected: yes. Observed: 1 variant allele.
Comment: SNAPC4: BP4, BP7